The following is an entry in ClinVar:

NM_004304.5(ALK):c.1396G>A (p.Asp466Asn)

Gene: ALK (ALK receptor tyrosine kinase; minus strand). Cytogenetic location: 2p23.2.
Variant type: single nucleotide variant.
Coding change: c.1396G>A on transcript NM_004304.5 (MANE Select); coding-DNA position 1396, G replaced by A.
Protein change: p.Asp466Asn; replaces aspartic acid 466 with asparagine.
Molecular consequence: missense variant.
Genome position (GRCh38, 1-based): chr2:29,328,368, C>T on the plus strand (G>A on the coding strand, the complement: ALK is on the minus strand). VCF-style: chr2-29328368-C-T. GRCh37 (hg19) VCF-style: chr2-29551234-C-T.
Other names: short protein forms D466N.
Identifiers: ClinVar variation 845443 (VCV000845443.9), dbSNP rs1667337818, ClinGen allele CA346474125.

ClinVar aggregate classification (germline): Uncertain significance (1 of 4 stars; one submission).

Conditions:
Neuroblastoma, susceptibility to, 3. Also called: ALK-Related Neuroblastic Tumor Susceptibility. Identifiers: Orphanet 635, MedGen C2751681, MONDO:0013083, OMIM 613014.

Submission:

Labcorp Genetics (formerly Invitae), Labcorp
Classification: Uncertain significance for Neuroblastoma, susceptibility to, 3. Last evaluated: 2019-04-22. Review status: criteria provided, single submitter. Criteria: Invitae Variant Classification Sherloc (09022015). Collection method: clinical testing. Allele origin: germline.
Comment: This sequence change replaces aspartic acid with asparagine at codon 466 of the ALK protein (p.Asp466Asn). The aspartic acid residue is highly conserved and there is a small physicochemical difference between aspartic acid and asparagine. This variant is not present in population databases (ExAC no frequency). This variant has not been reported in the literature in individuals with ALK-related conditions. Algorithms developed to predict the effect of missense changes on protein structure and function are either unavailable or do not agree on the potential impact of this missense change (SIFT: "Deleterious"; PolyPhen-2: "Probably Damaging"; Align-GVGD: "Class C0"). In summary, the available evidence is currently insufficient to determine the role of this variant in disease. Therefore, it has been classified as a Variant of Uncertain Significance.